The following is an entry in ClinVar:

NM_153485.3(NUP155):c.1627C>G (p.Gln543Glu)

Gene: NUP155 (nucleoporin 155; minus strand). Cytogenetic location: 5p13.2.
Variant type: single nucleotide variant.
Coding change: c.1627C>G on transcript NM_153485.3 (MANE Select); coding-DNA position 1627, C replaced by G.
Protein change: p.Gln543Glu; replaces glutamine 543 with glutamic acid.
Molecular consequence: missense variant.
Genome position (GRCh38, 1-based): chr5:37,331,687, G>C on the plus strand (C>G on the coding strand, the complement: NUP155 is on the minus strand). VCF-style: chr5-37331687-G-C. GRCh37 (hg19) VCF-style: chr5-37331789-G-C.
Other names: c.1627C>G, p.Gln543Glu (NM_001278312.2); c.1450C>G, p.Gln484Glu (NM_004298.4); c.1627C>G (NM_153485.1); short protein forms Q484E, Q543E.
Identifiers: ClinVar variation 3393050 (VCV003393050.2).

ClinVar aggregate classification (germline): Uncertain significance. Review status: criteria provided, multiple submitters, no conflicts (2 of 4 stars). 2 submissions from 2 submitters: Uncertain significance (2). Last evaluated 2025-08-31.

gnomAD v4.1: 31 of 1,522,776 alleles (0.002%); highest among the groups gnomAD compares: Non-Finnish European, 0.0028%; no homozygotes.

Submissions (2):

Ambry Genetics
Classification: Uncertain significance. Last evaluated: 2025-08-31. Review status: criteria provided, single submitter. Criteria: Ambry Variant Classification Scheme 2023. Collection method: clinical testing. Allele origin: germline.

Clinical Genomics Laboratory, Stanford Medicine
Classification: Uncertain significance. Last evaluated: 2022-12-02. Review status: criteria provided, single submitter. Criteria: ACMG Guidelines, 2015. Collection method: clinical testing. Allele origin: germline. Observed: 1 variant allele, 1 heterozygote.
Comment: The p.Gln543Glu variant in the NUP155 gene has not been previously reported in association with disease. This variant has been identified in 3/113,454 European non-Finnish chromosomes (3/247,820 chromosomes overall) by the Genome Aggregation Database. Computational tools predict that the p.Gln543Glu variant is neither deleterious nor benign; however, the in silico accuracy of algorithms is limited. These data were assessed using the ACMG/AMP variant interpretation guidelines. In summary, the significance of the p.Gln543Glu variant is uncertain. Additional information is needed to resolve the significance of this variant. [ACMG evidence codes used: PM2]